The following is an entry in ClinVar:

ClinVar aggregate classification (germline): Likely benign (0 of 4 stars; one submission).

Conditions:
MYT1L-related disorder. Also called: MYT1L-related condition.

Allele frequency attached by ClinVar (database versions not stated): gnomAD exomes 0.00002; TOPMed 0.00003; ExAC 0.00004; gnomAD 0.00004.

Submission:

PreventionGenetics, part of Exact Sciences
Classification: Likely benign for MYT1L-related condition. Last evaluated: 2019-03-26. Review status: no assertion criteria provided. Collection method: clinical testing. Allele origin: germline.
Comment: This variant is classified as likely benign based on ACMG/AMP sequence variant interpretation guidelines (Richards et al. 2015 PMID: 25741868, with internal and published modifications).

NM_001303052.2(MYT1L):c.1052C>T (p.Pro351Leu)

Gene: MYT1L (myelin transcription factor 1 like; minus strand). Cytogenetic location: 2p25.3.
Variant type: single nucleotide variant.
Coding change: c.1052C>T on transcript NM_001303052.2 (MANE Select); coding-DNA position 1052, C replaced by T.
Protein change: p.Pro351Leu; replaces proline 351 with leucine.
Molecular consequence: missense variant.
Genome position (GRCh38, 1-based): chr2:1,922,717, G>A on the plus strand (C>T on the coding strand, the complement: MYT1L is on the minus strand). VCF-style: chr2-1922717-G-A. GRCh37 (hg19) VCF-style: chr2-1926489-G-A.
Other names: c.1052C>T, p.Pro351Leu (NM_001329844.2, NM_001329845.1, NM_001329846.3 and 6 more transcripts); short protein forms P351L.
Identifiers: ClinVar variation 3057988 (VCV003057988.2), dbSNP rs762068576, ClinGen allele CA1514311.
Genomic context (GRCh38, chr2:1,922,717, plus strand): 5'-GTCCTTCCGGGGAAGTCCTCTTCTGGCCGGACATGCTGACGGATGTTCATGTTCTGCTGC[G>A]GATTCCTCTCCTGCGGGTTGGTCTCACTGAGCTTCCTGGCCAGGTCGAAGCACTGATTCC-3'
Protein context (NP_001289981.1, residues 341-361): LSETNPQERN[Pro351Leu]QQNMNIRQHV